The following is an entry in ClinVar:

NM_001382391.1(CSPP1):c.3170C>A (p.Thr1057Asn)

Genes: ARFGEF1 (ARF guanine nucleotide exchange factor 1; minus strand), CSPP1 (centrosome and spindle pole associated protein 1; plus strand). Cytogenetic location: 8q13.2.
Variant type: single nucleotide variant.
Coding change: c.3170C>A on transcript NM_001382391.1 (MANE Select); coding-DNA position 3170, C replaced by A.
Protein change: p.Thr1057Asn; replaces threonine 1057 with asparagine.
Molecular consequence: missense variant. On other transcripts: intron variant (2).
Genome position (GRCh38, 1-based): chr8:67,179,876, C>A. VCF-style: chr8-67179876-C-A. GRCh37 (hg19) VCF-style: chr8-68092111-C-A.
Other names: c.2120C>A, p.Thr707Asn (NM_001291339.2); c.3089C>A, p.Thr1030Asn (NM_001363131.2); c.2975C>A, p.Thr992Asn (NM_001363132.2); c.2894C>A, p.Thr965Asn (NM_001363133.2); c.3236C>A, p.Thr1079Asn (NM_001364869.1); c.3056C>A, p.Thr1019Asn (NM_001364870.1); c.3002C>A, p.Thr1001Asn (NM_001438330.1); c.3155C>A, p.Thr1052Asn (NM_001438331.1, NM_024790.7); and 3 more; short protein forms T1030N, T707N, T1019N, T1052N, T1079N, T1057N, T965N, T992N.
Identifiers: ClinVar variation 2047219 (VCV002047219.2), dbSNP rs2490442785, ClinGen allele CA371199259.

ClinVar aggregate classification (germline): Uncertain significance (1 of 4 stars; one submission).

Conditions:
Joubert syndrome 21 (JBTS21). Identifiers: MedGen C3810212, MONDO:0014288, OMIM 615636.

gnomAD v4.1: 2 of 1,594,720 alleles (0.00013%); highest among the groups gnomAD compares: Non-Finnish European, 0.00017%; no homozygotes.

Submission:

Labcorp Genetics (formerly Invitae), Labcorp
Classification: Uncertain significance for Joubert syndrome 21. Last evaluated: 2022-10-13. Review status: criteria provided, single submitter. Criteria: Invitae Variant Classification Sherloc (09022015). Collection method: clinical testing. Allele origin: germline.
Comment: In summary, the available evidence is currently insufficient to determine the role of this variant in disease. Therefore, it has been classified as a Variant of Uncertain Significance. Algorithms developed to predict the effect of missense changes on protein structure and function output the following: SIFT: "Deleterious"; PolyPhen-2: "Benign"; Align-GVGD: "Class C0". The asparagine amino acid residue is found in multiple mammalian species, which suggests that this missense change does not adversely affect protein function. This variant has not been reported in the literature in individuals affected with CSPP1-related conditions. This variant is not present in population databases (gnomAD no frequency). This sequence change replaces threonine, which is neutral and polar, with asparagine, which is neutral and polar, at codon 1052 of the CSPP1 protein (p.Thr1052Asn).